The following is an entry in ClinVar:

ClinVar aggregate classification (germline): Uncertain significance (1 of 4 stars; one submission).

Submission:

Labcorp Genetics (formerly Invitae), Labcorp
Classification: Uncertain significance. Last evaluated: 2023-05-15. Review status: criteria provided, single submitter. Criteria: Invitae Variant Classification Sherloc (09022015). Collection method: clinical testing. Allele origin: germline.
Comment: In summary, the available evidence is currently insufficient to determine the role of this variant in disease. Therefore, it has been classified as a Variant of Uncertain Significance. Advanced modeling of protein sequence and biophysical properties (such as structural, functional, and spatial information, amino acid conservation, physicochemical variation, residue mobility, and thermodynamic stability) performed at Invitae indicates that this missense variant is not expected to disrupt KMT2A protein function. This variant has not been reported in the literature in individuals affected with KMT2A-related conditions. This variant is not present in population databases (gnomAD no frequency). This sequence change replaces glutamic acid, which is acidic and polar, with glycine, which is neutral and non-polar, at codon 3793 of the KMT2A protein (p.Glu3793Gly).

NM_001197104.2(KMT2A):c.11378A>G (p.Glu3793Gly)

Genes: KMT2A (lysine methyltransferase 2A; plus strand), TTC36-AS1 (TTC36 and KMT2A antisense RNA 1; minus strand). Cytogenetic location: 11q23.3.
Variant type: single nucleotide variant.
Coding change: c.11378A>G on transcript NM_001197104.2 (MANE Select); coding-DNA position 11378, A replaced by G.
Protein change: p.Glu3793Gly; replaces glutamic acid 3793 with glycine.
Molecular consequence: missense variant.
Genome position (GRCh38, 1-based): chr11:118,520,013, A>G. VCF-style: chr11-118520013-A-G. GRCh37 (hg19) VCF-style: chr11-118390728-A-G.
Other names: c.11468A>G, p.Glu3823Gly (NM_001412597.1); c.11369A>G, p.Glu3790Gly (NM_005933.4); short protein forms E3793G, E3790G, E3823G.
Identifiers: ClinVar variation 2864576 (VCV002864576.3), dbSNP rs782446565, ClinGen allele CA382833625.